The following is an entry in ClinVar:

NM_000124.4(ERCC6):c.3983dup (p.Ser1329fs)

Gene: ERCC6 (ERCC excision repair 6, chromatin remodeling factor; minus strand). Cytogenetic location: 10q11.23.
Variant type: Duplication.
Coding change: c.3983dup on transcript NM_000124.4 (MANE Select); coding-DNA position 3983, one base duplicated (A; older notation c.3983dupA).
Protein change: p.Ser1329fs; shifts the reading frame from serine 1329.
Molecular consequence: frameshift variant.
Genome position (GRCh38, 1-based): chr10:49,461,352, T duplicated on the plus strand (A on the coding strand, the reverse complement: ERCC6 is on the minus strand); the first of 6 consecutive T bases (chr10:49,461,352-49,461,357); duplicating any one gives the same sequence. VCF-style (leftmost placement, unchanged base first): chr10-49461351-C-CT. GRCh37 (hg19) VCF-style: chr10-50669397-C-CT.
Other names: c.3983dup, p.Ser1329fs (NM_001346440.2); short protein forms S1329fs.
Identifiers: ClinVar variation 836041 (VCV000836041.9), dbSNP rs760027420, ClinGen allele CA5495220.
Genomic context (GRCh38, chr10:49,461,351, plus strand): 5'-TTTTATTTCTAGCCTTAGTTGTTTGGACTCCTTGCAAGTATGGCATGCAGCAATCTCTTA[C>CT]TTTTTTCCTGCTGGTGCACCAGAAATCCCCCTGTGGCCAGTCCAGGTGGGAACACCAGAC-3'

ClinVar aggregate classification (germline): Pathogenic (1 of 4 stars; one submission).

Submission:

Labcorp Genetics (formerly Invitae), Labcorp
Classification: Pathogenic. Last evaluated: 2019-12-21. Review status: criteria provided, single submitter. Criteria: Invitae Variant Classification Sherloc (09022015). Collection method: clinical testing. Allele origin: germline.
Comment: For these reasons, this variant has been classified as Pathogenic. Loss-of-function variants in ERCC6 are known to be pathogenic (PMID: 9443879, 18628313). Algorithms developed to predict the effect of sequence changes on RNA splicing suggest that this variant may create or strengthen a splice site, but this prediction has not been confirmed by published transcriptional studies. This variant has been observed in individual(s) with clinical features of Cockayne syndrome (PMID: 23311583, 24154677). This variant is present in population databases (rs760027420, ExAC 0.002%). This sequence change creates a premature translational stop signal (p.Ser1329Glufs*2) in the ERCC6 gene. It is expected to result in an absent or disrupted protein product.

Literature cited by the submitters: PubMed 9443879; PubMed 18628313; PubMed 23311583; PubMed 24154677.